The following is an entry in ClinVar:

ClinVar aggregate classification (germline): Benign. Review status: criteria provided, multiple submitters, no conflicts (2 of 4 stars). 8 submissions from 8 submitters: Benign (6). 2 of the submissions do not count toward it. Last evaluated 2026-08-01.

Conditions:
Meier-Gorlin syndrome 5 (MGORS5). Identifiers: Orphanet 2554, MedGen C3151126, MONDO:0013432, OMIM 613805.

Allele frequency attached by ClinVar (database versions not stated): 1000 Genomes Project 30x 0.00515; 1000 Genomes Project 0.00559; ExAC 0.01306; gnomAD exomes 0.01380 and 0.02038; TOPMed 0.01388; gnomAD 0.01526 and 0.01566; ESP Exome Variant Server 0.01561.

Submissions (8):

CeGaT Center for Human Genetics Tuebingen
Classification: Benign. Last evaluated: 2026-08-01. Review status: criteria provided, single submitter. Criteria: CeGaT Center For Human Genetics Tuebingen Variant Classification Criteria Version 2. Collection method: clinical testing. Allele origin: germline. Affected: yes. Observed: 14 variant alleles.
Comment: CDC6: BS1, BS2

Labcorp Genetics (formerly Invitae), Labcorp
Classification: Benign. Last evaluated: 2026-02-01. Review status: criteria provided, single submitter. Criteria: Invitae Variant Classification Sherloc (09022015). Collection method: clinical testing. Allele origin: germline.

Illumina Laboratory Services, Illumina
Classification: Benign for Meier-Gorlin syndrome 5. Last evaluated: 2018-01-13. Review status: criteria provided, single submitter. Criteria: ICSL Variant Classification Criteria 13 December 2019. Collection method: clinical testing. Allele origin: germline.
Comment: This variant was observed in the ICSL laboratory as part of a predisposition screen in an ostensibly healthy population. It had not been previously curated by ICSL or reported in the Human Gene Mutation Database (HGMD: prior to June 1st, 2018), and was therefore a candidate for classification through an automated scoring system. Utilizing variant allele frequency, disease prevalence and penetrance estimates, and inheritance mode, an automated score was calculated to assess if this variant is too frequent to cause the disease. Based on the score and internal cut-off values, a variant classified as benign is not then subjected to further curation. The score for this variant resulted in a classification of benign for this disease.

Genetic Services Laboratory, University of Chicago
Classification: Benign for AllHighlyPenetrant. Last evaluated: 2013-06-21. Review status: criteria provided, single submitter. Criteria: ACMG Guidelines, 2007. Collection method: clinical testing. Allele origin: germline. Inheritance: Autosomal recessive inheritance.

Breakthrough Genomics
Classification: Benign. Review status: criteria provided, single submitter. Criteria: ACMG Guidelines, 2015. Collection method: not provided. Allele origin: germline. Inheritance: Autosomal recessive inheritance. Affected: yes.

PreventionGenetics, part of Exact Sciences
Classification: Benign. Review status: criteria provided, single submitter. Criteria: ACMG Guidelines, 2015. Collection method: clinical testing. Allele origin: germline.

Genome Diagnostics Laboratory, University Medical Center Utrecht
Classification: Benign. Review status: no assertion criteria provided. Collection method: clinical testing. Allele origin: germline. Affected: yes. Study: VKGL Data-share Consensus. Not counted in ClinVar's aggregate classification.

Joint Genome Diagnostic Labs from Nijmegen and Maastricht, Radboudumc and MUMC+
Classification: Benign. Review status: no assertion criteria provided. Collection method: clinical testing. Allele origin: germline. Affected: yes. Study: VKGL Data-share Consensus. Not counted in ClinVar's aggregate classification.

NM_001254.4(CDC6):c.883G>A (p.Asp295Asn)

Gene: CDC6 (cell division cycle 6; plus strand). Cytogenetic location: 17q21.2.
Variant type: single nucleotide variant.
Coding change: c.883G>A on transcript NM_001254.4 (MANE Select); coding-DNA position 883, G replaced by A.
Protein change: p.Asp295Asn; replaces aspartic acid 295 with asparagine.
Molecular consequence: missense variant.
Genome position (GRCh38, 1-based): chr17:40,293,996, G>A. VCF-style: chr17-40293996-G-A. GRCh37 (hg19) VCF-style: chr17-38450248-G-A.
Other names: short protein forms D295N.
Identifiers: ClinVar variation 128638 (VCV000128638.45), dbSNP rs4135012, ClinGen allele CA152218.